The following is an entry in ClinVar:

ClinVar aggregate classification (germline): Uncertain significance (1 of 4 stars; one submission).

Allele frequency attached by ClinVar (database versions not stated): gnomAD exomes below 0.00001 and 0.00001.
gnomAD v4.1: 3 of 1,613,366 alleles (0.00019%); highest among the groups gnomAD compares: Admixed American, 0.0033%; no homozygotes.

Submission:

Labcorp Genetics (formerly Invitae), Labcorp
Classification: Uncertain significance. Last evaluated: 2024-06-03. Review status: criteria provided, single submitter. Criteria: Invitae Variant Classification Sherloc (09022015). Collection method: clinical testing. Allele origin: germline.
Comment: This sequence change falls in intron 10 of the MKL1 gene. It does not directly change the encoded amino acid sequence of the MKL1 protein. It affects a nucleotide within the consensus splice site. This variant is present in population databases (no rsID available, gnomAD 0.006%). This variant has not been reported in the literature in individuals affected with MKL1-related conditions. ClinVar contains an entry for this variant (Variation ID: 1683115). Variants that disrupt the consensus splice site are a relatively common cause of aberrant splicing (PMID: 17576681, 9536098). Algorithms developed to predict the effect of sequence changes on RNA splicing suggest that this variant is not likely to affect RNA splicing. In summary, the available evidence is currently insufficient to determine the role of this variant in disease. Therefore, it has been classified as a Variant of Uncertain Significance.

Literature cited by the submitters: PubMed 17576681; PubMed 9536098.

NM_020831.6(MRTFA):c.1181+6C>T

Gene: MRTFA (myocardin related transcription factor A; minus strand). Cytogenetic location: 22q13.1.
Variant type: single nucleotide variant.
Coding change: c.1181+6C>T on transcript NM_020831.6 (MANE Select); 6 bases into the intron after coding-DNA position 1181, C replaced by T.
Molecular consequence: intron variant.
Genome position (GRCh38, 1-based): chr22:40,420,841, G>A on the plus strand (C>T on the coding strand, the complement: MRTFA is on the minus strand). VCF-style: chr22-40420841-G-A. GRCh37 (hg19) VCF-style: chr22-40816845-G-A.
Other names: c.1031+6C>T (NM_001282661.3); c.1181+6C>T (NM_001282662.3); c.986+6C>T (NM_001318139.2); c.881+6C>T (NM_001282660.2).
Identifiers: ClinVar variation 1683115 (VCV001683115.6), dbSNP rs1296523253, ClinGen allele CA639825205.